The following is an entry in ClinVar:

NM_020366.4(RPGRIP1):c.931-2_935delinsT

Gene: RPGRIP1 (RPGR interacting protein 1; plus strand). Cytogenetic location: 14q11.2.
Variant type: Indel.
Coding change: c.931-2_935delinsT on transcript NM_020366.4 (MANE Select); the canonical splice acceptor site of the intron before coding-DNA position 931 through coding-DNA position 935, AGAATCA replaced by T.
Molecular consequence: splice acceptor variant.
Genome position (GRCh38, 1-based): chr14:21,311,822-21,311,828, AGAATCA replaced by T. VCF-style: chr14-21311822-AGAATCA-T. GRCh37 (hg19) VCF-style: chr14-21779981-AGAATCA-T.
Identifiers: ClinVar variation 1415268 (VCV001415268.6), dbSNP rs2139175288, ClinGen allele CA2573149723.
Genomic context (GRCh38, chr14:21,311,822, plus strand): 5'-TCTGGAGACCACTCGTGCTGAGTGATATGACCATTCCCAGAGGTACTTTCCTTTTGACCC[AGAATCA>T]GGGAATCCTGAGTGCAGCCCATGAGGCCCTCCTCAAGCAAGTGAATGAGCTCAGGGCAGA-3'

ClinVar aggregate classification (germline): Pathogenic (1 of 4 stars; one submission).

Conditions:
Cone-rod dystrophy 13 (CORD13). Identifiers: Orphanet 1872, MedGen C2750720, MONDO:0011987, OMIM 608194.
Leber congenital amaurosis 6 (LCA6). Identifiers: Orphanet 65, MedGen C1854260, MONDO:0013446, OMIM 613826.

Submission:

Labcorp Genetics (formerly Invitae), Labcorp
Classification: Pathogenic for Leber congenital amaurosis 6; Cone-rod dystrophy 13. Last evaluated: 2021-05-24. Review status: criteria provided, single submitter. Criteria: Invitae Variant Classification Sherloc (09022015). Collection method: clinical testing. Allele origin: germline.
Comment: For these reasons, this variant has been classified as Pathogenic. Algorithms developed to predict the effect of sequence changes on RNA splicing suggest that this variant may disrupt the consensus splice site, but this prediction has not been confirmed by published transcriptional studies. This variant has been observed in individual(s) with cone-rod dystrophy (Invitae). In at least one individual the data is consistent with the variant being in trans (on the opposite chromosome) from a pathogenic variant. This variant is not present in population databases (ExAC no frequency). This variant results in the deletion of part of exon 8 (c.931-2_935delinsT) of the RPGRIP1 gene. It is expected to disrupt RNA splicing. Variants that disrupt the donor or acceptor splice site typically lead to a loss of protein function (PMID: 16199547), and loss-of-function variants in RPGRIP1 are known to be pathogenic (PMID: 11528500, 23105016).

Literature cited by the submitters: PubMed 16199547; PubMed 11528500; PubMed 23105016.